The following is an entry in ClinVar:

ClinVar aggregate classification (germline): Uncertain significance (1 of 4 stars; one submission).

Submission:

ARUP Laboratories, Molecular Genetics and Genomics, ARUP Laboratories
Classification: Uncertain significance. Last evaluated: 2024-10-18. Review status: criteria provided, single submitter. Criteria: ARUP Molecular Germline Variant Investigation Process 2024. Collection method: clinical testing. Allele origin: germline.
Comment: The PIEZO1 c.6036C>A; p.Phe2012Leu variant, to our knowledge, is not reported in the medical literature or gene specific databases. This variant is absent from the Genome Aggregation Database (v2.1.1), indicating it is not a common polymorphism. Computational analyses are uncertain whether this variant is neutral or deleterious (REVEL: 0.623). Due to limited information, the clinical significance of this variant is uncertain at this time.

NM_001142864.4(PIEZO1):c.6036C>A (p.Phe2012Leu)

Gene: PIEZO1 (piezo type mechanosensitive ion channel component 1 (Er blood group); minus strand). Cytogenetic location: 16q24.3.
Variant type: single nucleotide variant.
Coding change: c.6036C>A on transcript NM_001142864.4 (MANE Select); coding-DNA position 6036, C replaced by A.
Protein change: p.Phe2012Leu; replaces phenylalanine 2012 with leucine.
Molecular consequence: missense variant.
Genome position (GRCh38, 1-based): chr16:88,720,197, G>T on the plus strand (C>A on the coding strand, the complement: PIEZO1 is on the minus strand). VCF-style: chr16-88720197-G-T. GRCh37 (hg19) VCF-style: chr16-88786605-G-T.
Other names: short protein forms F2012L.
Identifiers: ClinVar variation 3766909 (VCV003766909.1).